The following is an entry in ClinVar:

ClinVar aggregate classification (germline): Pathogenic (1 of 4 stars; one submission).

Submission:

CeGaT Center for Human Genetics Tuebingen
Classification: Pathogenic. Last evaluated: 2025-07-01. Review status: criteria provided, single submitter. Criteria: CeGaT Center For Human Genetics Tuebingen Variant Classification Criteria Version 2. Collection method: clinical testing. Allele origin: germline. Affected: yes. Observed: 1 variant allele.
Comment: SCN2A: PVS1, PM2

NM_001040142.2(SCN2A):c.1518_1521del (p.Lys507fs)

Gene: SCN2A (sodium voltage-gated channel alpha subunit 2; plus strand). Cytogenetic location: 2q24.3.
Variant type: Microsatellite.
Coding change: c.1518_1521del on transcript NM_001040142.2 (MANE Select); coding-DNA positions 1518 to 1521, 4 bases deleted (GAAA; older notation c.1518_1521delGAAA).
Protein change: p.Lys507fs; shifts the reading frame from lysine 507.
Molecular consequence: frameshift variant.
Genome position (GRCh38, 1-based): chr2:165,315,605-165,315,608, GAAA deleted; deleting any 4 consecutive bases within chr2:165,315,599-165,315,608 gives the same sequence; the c. name uses the placement nearest the transcript's 3' end. VCF-style (leftmost placement, unchanged base first): chr2-165315598-GAAGA-G. GRCh37 (hg19) VCF-style: chr2-166172108-GAAGA-G.
Other names: c.1518_1521del, p.Lys507fs (NM_001040143.2, NM_001371246.1, NM_001371247.1 and 1 more transcripts); short protein forms K507fs.
Identifiers: ClinVar variation 4085474 (VCV004085474.8).